The following is an entry in ClinVar:

ClinVar aggregate classification (germline): Uncertain significance (1 of 4 stars; one submission).

gnomAD v4.1: 1 of 1,612,510 alleles (0.000062%); highest among the groups gnomAD compares: Non-Finnish European, 0.000085%; no homozygotes.

Submission:

Labcorp Genetics (formerly Invitae), Labcorp
Classification: Uncertain significance. Last evaluated: 2023-07-11. Review status: criteria provided, single submitter. Criteria: Invitae Variant Classification Sherloc (09022015). Collection method: clinical testing. Allele origin: germline.
Comment: This sequence change replaces asparagine, which is neutral and polar, with histidine, which is basic and polar, at codon 519 of the CCT2 protein (p.Asn519His). This variant is present in population databases (no rsID available, gnomAD 0.0009%). This variant has not been reported in the literature in individuals affected with CCT2-related conditions. An algorithm developed to predict the effect of missense changes on protein structure and function (PolyPhen-2) suggests that this variant is likely to be tolerated. In summary, the available evidence is currently insufficient to determine the role of this variant in disease. Therefore, it has been classified as a Variant of Uncertain Significance.

NM_006431.3(CCT2):c.1555A>C (p.Asn519His)

Gene: CCT2 (chaperonin containing TCP1 subunit 2; plus strand). Cytogenetic location: 12q15.
Variant type: single nucleotide variant.
Coding change: c.1555A>C on transcript NM_006431.3 (MANE Select); coding-DNA position 1555, A replaced by C.
Protein change: p.Asn519His; replaces asparagine 519 with histidine.
Molecular consequence: missense variant.
Genome position (GRCh38, 1-based): chr12:69,599,982, A>C. VCF-style: chr12-69599982-A-C. GRCh37 (hg19) VCF-style: chr12-69993762-A-C.
Other names: c.1414A>C, p.Asn472His (NM_001198842.2); short protein forms N472H, N519H.
Identifiers: ClinVar variation 2740099 (VCV002740099.3), dbSNP rs144551333, ClinGen allele CA385732132.